The following is an entry in ClinVar:

NM_205836.3(FBXO38):c.2367C>G (p.Ser789Arg)

Gene: FBXO38 (F-box protein 38; plus strand). Cytogenetic location: 5q32.
Variant type: single nucleotide variant.
Coding change: c.2367C>G on transcript NM_205836.3 (MANE Select); coding-DNA position 2367, C replaced by G.
Protein change: p.Ser789Arg; replaces serine 789 with arginine.
Molecular consequence: missense variant. On other transcripts: intron variant (1).
Genome position (GRCh38, 1-based): chr5:148,427,661, C>G. VCF-style: chr5-148427661-C-G. GRCh37 (hg19) VCF-style: chr5-147807224-C-G.
Other names: c.2367C>G, p.Ser789Arg (NM_030793.5); c.1918+1960C>G (NM_001271723.2); short protein forms S789R.
Identifiers: ClinVar variation 2202461 (VCV002202461.4), dbSNP rs1388163904, ClinGen allele CA361657635.

ClinVar aggregate classification (germline): Uncertain significance (1 of 4 stars; one submission).

Conditions:
Distal hereditary motor neuropathy type 2. Identifiers: Orphanet 139525, MedGen C3711384, MeSH C580044, MONDO:0015352.

Allele frequency attached by ClinVar (database versions not stated): TOPMed below 0.00001; gnomAD 0.00001.
gnomAD v4.1: 1 of 1,614,092 alleles (0.000062%); highest among the groups gnomAD compares: Non-Finnish European, 0.000085%; no homozygotes.

Submission:

Labcorp Genetics (formerly Invitae), Labcorp
Classification: Uncertain significance for Distal hereditary motor neuropathy type 2. Last evaluated: 2022-04-25. Review status: criteria provided, single submitter. Criteria: Invitae Variant Classification Sherloc (09022015). Collection method: clinical testing. Allele origin: germline.
Comment: This sequence change replaces serine, which is neutral and polar, with arginine, which is basic and polar, at codon 789 of the FBXO38 protein (p.Ser789Arg). This variant is not present in population databases (gnomAD no frequency). This variant has not been reported in the literature in individuals affected with FBXO38-related conditions. Algorithms developed to predict the effect of missense changes on protein structure and function are either unavailable or do not agree on the potential impact of this missense change (SIFT: "Tolerated"; PolyPhen-2: "Possibly Damaging"; Align-GVGD: "Class C0"). In summary, the available evidence is currently insufficient to determine the role of this variant in disease. Therefore, it has been classified as a Variant of Uncertain Significance.